The following is an entry in ClinVar:

NM_006343.3(MERTK):c.2594G>A (p.Arg865Gln)

Gene: MERTK (MER proto-oncogene, tyrosine kinase; plus strand). Cytogenetic location: 2q13.
Variant type: single nucleotide variant.
Coding change: c.2594G>A on transcript NM_006343.3 (MANE Select); coding-DNA position 2594, G replaced by A.
Protein change: p.Arg865Gln; replaces arginine 865 with glutamine.
Molecular consequence: missense variant.
Genome position (GRCh38, 1-based): chr2:112,028,458, G>A. VCF-style: chr2-112028458-G-A. GRCh37 (hg19) VCF-style: chr2-112786035-G-A.
Other names: short protein forms R865Q.
Identifiers: ClinVar variation 853187 (VCV000853187.9), dbSNP rs546088670, ClinGen allele CA1831932.
Genomic context (GRCh38, chr2:112,028,458, plus strand): 5'-CCACCTTTTCAGTATTGAGGCTGCAGCTAGAAAAACTCTTAGAAAGTTTGCCTGACGTTC[G>A]GAACCAAGCAGACGTTATTTACGTCAATACACAGTTGCTGGAGAGCTCTGAGGGCCTGGC-3'
Protein context (NP_006334.2, residues 855-875): EKLLESLPDV[Arg865Gln]NQADVIYVNT

ClinVar aggregate classification (germline): Uncertain significance. Review status: criteria provided, multiple submitters, no conflicts (2 of 4 stars). 2 submissions from 2 submitters: Uncertain significance (2). Last evaluated 2024-04-02.

Allele frequency attached by ClinVar (database versions not stated): ExAC 0.00001; gnomAD exomes 0.00002 and 0.00007; TOPMed 0.00004; gnomAD 0.00006; 1000 Genomes Project 30x 0.00016; 1000 Genomes Project 0.00020.
gnomAD v4.1: 116 of 1,614,140 alleles (0.0072%); highest among the groups gnomAD compares: Non-Finnish European, 0.0091%; no homozygotes.

Submissions (2):

Labcorp Genetics (formerly Invitae), Labcorp
Classification: Uncertain significance. Last evaluated: 2024-04-02. Review status: criteria provided, single submitter. Criteria: Invitae Variant Classification Sherloc (09022015). Collection method: clinical testing. Allele origin: germline.
Comment: This sequence change replaces arginine, which is basic and polar, with glutamine, which is neutral and polar, at codon 865 of the MERTK protein (p.Arg865Gln). This variant is present in population databases (rs546088670, gnomAD 0.01%). This variant has not been reported in the literature in individuals affected with MERTK-related conditions. ClinVar contains an entry for this variant (Variation ID: 853187). Advanced modeling of protein sequence and biophysical properties (such as structural, functional, and spatial information, amino acid conservation, physicochemical variation, residue mobility, and thermodynamic stability) performed at Invitae indicates that this missense variant is not expected to disrupt MERTK protein function with a negative predictive value of 80%. In summary, the available evidence is currently insufficient to determine the role of this variant in disease. Therefore, it has been classified as a Variant of Uncertain Significance.

Blueprint Genetics
Classification: Uncertain significance. Last evaluated: 2021-05-25. Review status: criteria provided, single submitter. Criteria: ACMG Guidelines, 2015. Collection method: clinical testing. Allele origin: germline.